The following is an entry in ClinVar:

ClinVar aggregate classification (germline): Benign (1 of 4 stars; one submission).

Conditions:
POLD1-related polyposis and colorectal cancer syndrome (CRCS10). Also called: Colorectal cancer 10; COLORECTAL CANCER, SUSCEPTIBILITY TO, ON CHROMOSOME 19q; Colorectal cancer, susceptibility to, 10. Identifiers: Orphanet 220460, MedGen C2675481, MONDO:0012953, OMIM 612591.

gnomAD v4.1: 1 of 1,562,246 alleles (0.000064%); highest among the groups gnomAD compares: Non-Finnish European, 0.000087%; no homozygotes.

Submission:

Myriad Genetics, Inc.
Classification: Benign for POLD1-related polyposis and colorectal cancer syndrome. Last evaluated: 2025-02-05. Review status: criteria provided, single submitter. Criteria: Myriad Autosomal Dominant, Autosomal Recessive and X-Linked Classification Criteria (2023). Collection method: clinical testing. Allele origin: unknown.
Comment: This variant is considered benign. This variant is a silent/synonymous amino acid change and it is not expected to impact splicing.

NM_002691.4(POLD1):c.1050C>T (p.Phe350=)

Gene: POLD1 (DNA polymerase delta 1, catalytic subunit; plus strand). Cytogenetic location: 19q13.33.
Variant type: single nucleotide variant.
Coding change: c.1050C>T on transcript NM_002691.4 (MANE Select); coding-DNA position 1050, C replaced by T.
Protein change: p.Phe350=; no amino-acid change (phenylalanine 350 retained).
Molecular consequence: synonymous variant. On other transcripts: non-coding transcript variant (1).
Genome position (GRCh38, 1-based): chr19:50,403,132, C>T. VCF-style: chr19-50403132-C-T. GRCh37 (hg19) VCF-style: chr19-50906389-C-T.
Other names: c.1050C>T, p.Phe350= (NM_001256849.1, NM_001308632.1).
Identifiers: ClinVar variation 3904153 (VCV003904153.1).